The following is an entry in ClinVar:

NM_001846.4(COL4A2):c.4428G>A (p.Pro1476=)

Genes: COL4A2 (collagen type IV alpha 2 chain; plus strand), COL4A2-AS1 (COL4A2 antisense RNA 1; minus strand). Cytogenetic location: 13q34.
Variant type: single nucleotide variant.
Coding change: c.4428G>A on transcript NM_001846.4 (MANE Select); coding-DNA position 4428, G replaced by A.
Protein change: p.Pro1476=; no amino-acid change (proline 1476 retained).
Molecular consequence: synonymous variant.
Genome position (GRCh38, 1-based): chr13:110,506,440, G>A. VCF-style: chr13-110506440-G-A. GRCh37 (hg19) VCF-style: chr13-111158787-G-A.
Other names: c.4428G>A (NM_001846.3).
Identifiers: ClinVar variation 311177 (VCV000311177.38), dbSNP rs371857202, ClinGen allele CA7050538.
Genomic context (GRCh38, chr13:110,506,440, plus strand): 5'-CAGGCCGTCCACTCTCTCTCTTTCTCGGGCTGCAGGTGCACCAGGCCGTCCAGGGAGCCC[G>A]GGCCTGCCGGGTATGCCAGGCCGCAGCGTCAGCATCGGCTACCTCCTGGTGAAGCACAGC-3'
Protein context (NP_001837.2, residues 1466-1486): QEGAPGRPGS[Pro1476=]GLPGMPGRSV

ClinVar aggregate classification (germline): Benign/Likely benign. Review status: criteria provided, multiple submitters, no conflicts (2 of 4 stars). 5 submissions from 5 submitters: Benign (3); Likely benign (1). 1 of the submissions does not count toward it. Last evaluated 2025-12-18.

Conditions:
COL4A2-related disorder. Also called: COL4A2-related disorders; COL4A2-related condition.
Brain small vessel disease 2A, autosomal dominant. Also called: Porencephaly 2. Identifiers: Orphanet 2940, Orphanet 99810, MedGen C3280970, MONDO:0013773, OMIM 614483.

Allele frequency attached by ClinVar (database versions not stated): ESP Exome Variant Server 0.00025; gnomAD 0.00027 and 0.00028; TOPMed 0.00029; ExAC 0.00032; gnomAD exomes 0.00033; 1000 Genomes Project 0.00040; 1000 Genomes Project 30x 0.00047.
gnomAD v4.1: 732 of 1,611,924 alleles (0.045%); highest among the groups gnomAD compares: Non-Finnish European, 0.046%; no homozygotes.

Submissions (5):

Labcorp Genetics (formerly Invitae), Labcorp
Classification: Benign. Last evaluated: 2025-12-18. Review status: criteria provided, single submitter. Criteria: Invitae Variant Classification Sherloc (09022015). Collection method: clinical testing. Allele origin: germline.

CeGaT Center for Human Genetics Tuebingen
Classification: Likely benign. Last evaluated: 2023-01-01. Review status: criteria provided, single submitter. Criteria: CeGaT Center For Human Genetics Tuebingen Variant Classification Criteria Version 2. Collection method: clinical testing. Allele origin: germline. Affected: yes. Observed: 1 variant allele.
Comment: COL4A2: BP4, BP7

Illumina Laboratory Services, Illumina
Classification: Benign for Brain small vessel disease 2A, autosomal dominant. Last evaluated: 2018-01-12. Review status: criteria provided, single submitter. Criteria: ICSL Variant Classification Criteria 13 December 2019. Collection method: clinical testing. Allele origin: germline.
Comment: This variant was observed in the ICSL laboratory as part of a predisposition screen in an ostensibly healthy population. It had not been previously curated by ICSL or reported in the Human Gene Mutation Database (HGMD: prior to June 1st, 2018), and was therefore a candidate for classification through an automated scoring system. Utilizing variant allele frequency, disease prevalence and penetrance estimates, and inheritance mode, an automated score was calculated to assess if this variant is too frequent to cause the disease. Based on the score and internal cut-off values, a variant classified as benign is not then subjected to further curation. The score for this variant resulted in a classification of benign for this disease.

Breakthrough Genomics
Classification: Benign. Review status: criteria provided, single submitter. Criteria: ACMG Guidelines, 2015. Collection method: not provided. Allele origin: germline. Inheritance: Autosomal dominant inheritance. Affected: yes.

PreventionGenetics, part of Exact Sciences
Classification: Likely benign for COL4A2-related condition. Last evaluated: 2019-06-10. Review status: no assertion criteria provided. Collection method: clinical testing. Allele origin: germline. Not counted in ClinVar's aggregate classification.
Comment: This variant is classified as likely benign based on ACMG/AMP sequence variant interpretation guidelines (Richards et al. 2015 PMID: 25741868, with internal and published modifications).